The following is an entry in ClinVar:

NC_000022.10:g.(?_41895710)_(41904073_?)dup

Gene: ACO2 (aconitase 2; plus strand). Cytogenetic location: 22q13.2.
Variant type: Duplication.
Identifiers: ClinVar variation 1442851 (VCV001442851.4).

ClinVar aggregate classification (germline): Uncertain significance (1 of 4 stars; one submission).

Submission:

Labcorp Genetics (formerly Invitae), Labcorp
Classification: Uncertain significance. Last evaluated: 2021-03-05. Review status: criteria provided, single submitter. Criteria: Invitae Variant Classification Sherloc (09022015). Collection method: clinical testing. Allele origin: germline.
Comment: In summary, the available evidence is currently insufficient to determine the role of this variant in disease. Therefore, it has been classified as a Variant of Uncertain Significance. Experimental studies and prediction algorithms are not available or were not evaluated, and the functional significance of this variant is currently unknown. This variant has not been reported in the literature in individuals with ACO2-related conditions. This variant results in a copy number gain of the genomic region encompassing exon(s) 2-3 of the ACO2 gene. While the exact position of this variant cannot be determined from the data, sub-genic copy number gains are generally in tandem (PMID: 25640679). This variant is predicted to be in-frame, and likely preserves the integrity of the reading frame.

Literature cited by the submitters: PubMed 25640679.